The following is an entry in ClinVar:

NM_001040716.2(PC):c.2338G>T (p.Val780Leu)

Gene: PC (pyruvate carboxylase; minus strand). Cytogenetic location: 11q13.2.
Variant type: single nucleotide variant.
Coding change: c.2338G>T on transcript NM_001040716.2 (MANE Select); coding-DNA position 2338, G replaced by T.
Protein change: p.Val780Leu; replaces valine 780 with leucine.
Molecular consequence: missense variant.
Genome position (GRCh38, 1-based): chr11:66,850,809, C>A on the plus strand (G>T on the coding strand, the complement: PC is on the minus strand). VCF-style: chr11-66850809-C-A. GRCh37 (hg19) VCF-style: chr11-66618280-C-A.
Other names: c.2338G>T, p.Val780Leu (NM_000920.4, NM_022172.3); short protein forms V780L.
Identifiers: ClinVar variation 1483873 (VCV001483873.8), dbSNP rs572440768, ClinGen allele CA381493191.

ClinVar aggregate classification (germline): Uncertain significance (1 of 4 stars; one submission).

Conditions:
Pyruvate carboxylase deficiency. Also called: ATAXIA WITH LACTIC ACIDOSIS II; Pyruvate Carboxylase Deficiency Disease; LEIGH NECROTIZING ENCEPHALOPATHY DUE TO PYRUVATE CARBOXYLASE DEFICIENCY; PC DEFICIENCY; LEIGH SYNDROME DUE TO PYRUVATE CARBOXYLASE DEFICIENCY. Identifiers: Orphanet 3008, MedGen C0034341, MONDO:0009949, OMIM 266150.

Submission:

Labcorp Genetics (formerly Invitae), Labcorp
Classification: Uncertain significance for Pyruvate carboxylase deficiency. Last evaluated: 2022-02-24. Review status: criteria provided, single submitter. Criteria: Invitae Variant Classification Sherloc (09022015). Collection method: clinical testing. Allele origin: germline.
Comment: In summary, the available evidence is currently insufficient to determine the role of this variant in disease. Therefore, it has been classified as a Variant of Uncertain Significance. Algorithms developed to predict the effect of missense changes on protein structure and function are either unavailable or do not agree on the potential impact of this missense change (SIFT: "Deleterious"; PolyPhen-2: "Benign"; Align-GVGD: "Class C0"). This variant has not been reported in the literature in individuals affected with PC-related conditions. This variant is not present in population databases (gnomAD no frequency). This sequence change replaces valine, which is neutral and non-polar, with leucine, which is neutral and non-polar, at codon 780 of the PC protein (p.Val780Leu).